The following is an entry in ClinVar:

NM_005656.4(TMPRSS2):c.478G>A (p.Val160Met)

Gene: TMPRSS2 (transmembrane serine protease 2; minus strand). Cytogenetic location: 21q22.3.
Variant type: single nucleotide variant.
Coding change: c.478G>A on transcript NM_005656.4 (MANE Select); coding-DNA position 478, G replaced by A.
Protein change: p.Val160Met; replaces valine 160 with methionine.
Molecular consequence: missense variant.
Genome position (GRCh38, 1-based): chr21:41,480,570, C>T on the plus strand (G>A on the coding strand, the complement: TMPRSS2 is on the minus strand). VCF-style: chr21-41480570-C-T. GRCh37 (hg19) VCF-style: chr21-42852497-C-T.
Other names: c.589G>A, p.Val197Met (NM_001135099.1); c.478G>A, p.Val160Met (NM_001382720.1); short protein forms V160M, V197M.
Identifiers: ClinVar variation 1257425 (VCV001257425.4), dbSNP rs12329760, ClinGen allele CA10034696.
Genomic context (GRCh38, chr21:41,480,570, plus strand): 5'-AGTTCTCGTTCCAGTCGTCTTGGCACACAGGGTGCCAGGACTTCCTCTGAGATGAGTACA[C>T]CTGAAGGATGAAGTTTGGTCCGTAGAGGCGAACTGCACGAGAGGGAGGATTATCCATGAG-3'
Protein context (NP_005647.3, residues 150-170): RLYGPNFILQ[Val160Met]YSSQRKSWHP

ClinVar aggregate classification (germline): Benign. Review status: criteria provided, multiple submitters, no conflicts (2 of 4 stars). 3 submissions from 3 submitters: Benign (2). 1 of the submissions does not count toward it. Last evaluated 2021-02-26.

Conditions:
Associated with severe COVID-19 disease.

Allele frequency attached by ClinVar (database versions not stated): 1000 Genomes Project 30x 0.25874; 1000 Genomes Project 0.26138; TOPMed 0.23693; ESP Exome Variant Server 0.24135; gnomAD exomes 0.24491; gnomAD 0.25326 and 0.25287; ExAC 0.25015.
gnomAD v4.1: 380,433 of 1,613,468 alleles (24%); highest among the groups gnomAD compares: East Asian, 38%; 47,374 homozygotes.

Submissions (3):

GeneDx
Classification: Benign. Last evaluated: 2021-02-26. Review status: criteria provided, single submitter. Criteria: GeneDx Variant Classification Process June 2021. Collection method: clinical testing. Allele origin: germline. Affected: yes.
Comment: This variant is associated with the following publications: (PMID: 32867305)

Breakthrough Genomics
Classification: Benign. Review status: criteria provided, single submitter. Criteria: ACMG Guidelines, 2015. Collection method: not provided. Allele origin: germline. Inheritance: Unknown mechanism. Affected: yes.

Pneumogenomics Laboratory, Instituto Nacional de Enfermedades Respiratorias Ismael Cosio Villegas
Classification: Uncertain significance for Associated with severe COVID-19 disease. Last evaluated: 2023-07-01. Review status: no assertion criteria provided. Collection method: research. Allele origin: germline. Affected: yes. Not counted in ClinVar's aggregate classification.